The following is an entry in ClinVar:

NM_001206744.2(TPO):c.1282dup (p.Trp428fs)

Gene: TPO (thyroid peroxidase; plus strand). Cytogenetic location: 2p25.3.
Variant type: Duplication.
Coding change: c.1282dup on transcript NM_001206744.2 (MANE Select); coding-DNA position 1282, one base duplicated (T; older notation c.1282dupT).
Protein change: p.Trp428fs; shifts the reading frame from tryptophan 428.
Molecular consequence: frameshift variant. On other transcripts: intron variant (1).
Genome position (GRCh38, 1-based): chr2:1,477,548, T duplicated. VCF-style (leftmost placement, unchanged base first): chr2-1477547-C-CT. GRCh37 (hg19) VCF-style: chr2-1481319-C-CT.
Other names: c.1282dup, p.Trp428fs (NM_000547.6, NM_001206745.2, NM_175719.4 and 1 more transcripts); c.820-7048dup (NM_175722.3); short protein forms W428fs.
Identifiers: ClinVar variation 2815017 (VCV002815017.3), dbSNP rs2546099890, ClinGen allele CA2739274125.
Genomic context (GRCh38, chr2:1,477,547, plus strand): 5'-CACGCTGTGGCTGCGCGAGCACAACCGCCTGGCCGCGGCGCTCAAGGCCCTCAATGCGCA[C>CT]TGGAGCGCGGACGCCGTGTACCAGGAGGCGCGCAAGGTCGTGGGCGCTCTGCACCAGGTG-3'

ClinVar aggregate classification (germline): Pathogenic (1 of 4 stars; one submission).

Submission:

Labcorp Genetics (formerly Invitae), Labcorp
Classification: Pathogenic. Last evaluated: 2022-11-18. Review status: criteria provided, single submitter. Criteria: Invitae Variant Classification Sherloc (09022015). Collection method: clinical testing. Allele origin: germline.
Comment: For these reasons, this variant has been classified as Pathogenic. This variant has not been reported in the literature in individuals affected with TPO-related conditions. This variant is not present in population databases (gnomAD no frequency). This sequence change creates a premature translational stop signal (p.Trp428Leufs*44) in the TPO gene. It is expected to result in an absent or disrupted protein product. Loss-of-function variants in TPO are known to be pathogenic (PMID: 11061528, 23236987, 25564141).

Literature cited by the submitters: PubMed 11061528; PubMed 23236987; PubMed 25564141.